The following is an entry in ClinVar:

ClinVar aggregate classification (germline): Uncertain significance (1 of 4 stars; one submission).

Allele frequency attached by ClinVar (database versions not stated): gnomAD exomes 0.00001 and 0.00002; ExAC 0.00002; gnomAD 0.00006 and 0.00007; ESP Exome Variant Server 0.00008; TOPMed 0.00012.
gnomAD v4.1: 21 of 1,614,076 alleles (0.0013%); highest among the groups gnomAD compares: African/African-American, 0.021%; no homozygotes.

Submission:

Labcorp Genetics (formerly Invitae), Labcorp
Classification: Uncertain significance. Last evaluated: 2023-09-01. Review status: criteria provided, single submitter. Criteria: Invitae Variant Classification Sherloc (09022015). Collection method: clinical testing. Allele origin: germline.
Comment: In summary, the available evidence is currently insufficient to determine the role of this variant in disease. Therefore, it has been classified as a Variant of Uncertain Significance. Algorithms developed to predict the effect of missense changes on protein structure and function output the following: SIFT: "Not Available"; PolyPhen-2: "Benign"; Align-GVGD: "Not Available". The arginine amino acid residue is found in multiple mammalian species, which suggests that this missense change does not adversely affect protein function. ClinVar contains an entry for this variant (Variation ID: 1044345). This variant has not been reported in the literature in individuals affected with CDC6-related conditions. This variant is present in population databases (rs373194490, gnomAD 0.02%). This sequence change replaces histidine, which is basic and polar, with arginine, which is basic and polar, at codon 89 of the CDC6 protein (p.His89Arg).

NM_001254.4(CDC6):c.266A>G (p.His89Arg)

Gene: CDC6 (cell division cycle 6; plus strand). Cytogenetic location: 17q21.2.
Variant type: single nucleotide variant.
Coding change: c.266A>G on transcript NM_001254.4 (MANE Select); coding-DNA position 266, A replaced by G.
Protein change: p.His89Arg; replaces histidine 89 with arginine.
Molecular consequence: missense variant.
Genome position (GRCh38, 1-based): chr17:40,291,145, A>G. VCF-style: chr17-40291145-A-G. GRCh37 (hg19) VCF-style: chr17-38447397-A-G.
Other names: short protein forms H89R.
Identifiers: ClinVar variation 1044345 (VCV001044345.7), dbSNP rs373194490, ClinGen allele CA8541851.